The following is an entry in ClinVar:

NM_002693.3(POLG):c.384G>T (p.Pro128=)

Genes: POLG (DNA polymerase gamma, catalytic subunit; minus strand), POLGARF (POLG alternative reading frame; minus strand). Cytogenetic location: 15q26.1.
Variant type: single nucleotide variant.
Coding change: c.384G>T on transcript NM_002693.3 (MANE Select); coding-DNA position 384, G replaced by T.
Protein change: p.Pro128=; no amino-acid change (proline 128 retained).
Molecular consequence: synonymous variant.
Genome position (GRCh38, 1-based): chr15:89,333,371, C>A on the plus strand (G>T on the coding strand, the complement: POLG is on the minus strand). VCF-style: chr15-89333371-C-A. GRCh37 (hg19) VCF-style: chr15-89876602-C-A.
Other names: c.384G>T, p.Pro128= (NM_001126131.2).
Identifiers: ClinVar variation 381383 (VCV000381383.11), dbSNP rs558958919, ClinGen allele CA10602287.

ClinVar aggregate classification (germline): Likely benign. Review status: criteria provided, multiple submitters, no conflicts (2 of 4 stars). 4 submissions from 4 submitters: Likely benign (4). Last evaluated 2026-06-01.

Conditions:
Progressive sclerosing poliodystrophy (MTDPS4A). Also called: Mitochondrial DNA depletion syndrome 4A (Alpers type); Alpers-Huttenlocher Syndrome (AHS); Alpers Syndrome; ALPERS DIFFUSE DEGENERATION OF CEREBRAL GRAY MATTER WITH HEPATIC CIRRHOSIS; Alpers-Huttenlocher Syndrome; Mitochondrial DNA Depletion Syndrome 4A. Identifiers: Orphanet 726, MedGen C0205710, MONDO:0008758, OMIM 203700.

Allele frequency attached by ClinVar (database versions not stated): gnomAD 0.00001; TOPMed 0.00004.
gnomAD v4.1: 9 of 1,576,876 alleles (0.00057%); highest among the groups gnomAD compares: Non-Finnish European, 0.00077%; no homozygotes.

Submissions (4):

CeGaT Center for Human Genetics Tuebingen
Classification: Likely benign. Last evaluated: 2026-06-01. Review status: criteria provided, single submitter. Criteria: CeGaT Center For Human Genetics Tuebingen Variant Classification Criteria Version 2. Collection method: clinical testing. Allele origin: germline. Affected: yes. Observed: 1 variant allele.
Comment: POLG: BP4, BP7

Labcorp Genetics (formerly Invitae), Labcorp
Classification: Likely benign for Progressive sclerosing poliodystrophy. Last evaluated: 2025-11-13. Review status: criteria provided, single submitter. Criteria: Invitae Variant Classification Sherloc (09022015). Collection method: clinical testing. Allele origin: germline.

Wong Mito Lab, Molecular and Human Genetics, Baylor College of Medicine
Classification: Likely benign for Progressive sclerosing poliodystrophy. Last evaluated: 2018-10-01. Review status: criteria provided, single submitter. Criteria: ACMG Guidelines, 2015. Collection method: clinical testing. Allele origin: germline.
Comment: The NM_002693.2:c.384G>T (NP_002684.1:p.Pro128=) [GRCH38: NC_000015.10:g.89333371C>A] variant in POLG gene is interpretated to be a Likely Benign based on ACMG guidelines (PMID: 25741868). This variant meets the following evidence codes reported in the ACMG-guideline. BP4:Computational evidence/predictors indicate no impact on the POLG structure, function, or protein-protein interaction. BP7:The variant is silent with non predicted splice impact. Based on the evidence criteria codes applied, the variant is suggested to be Likely Benign.

GeneDx
Classification: Likely benign. Last evaluated: 2015-11-10. Review status: criteria provided, single submitter. Criteria: GeneDx Variant Classification (06012015). Collection method: clinical testing. Allele origin: germline. Affected: yes.
Comment: This variant is considered likely benign or benign based on one or more of the following criteria: it is a conservative change, it occurs at a poorly conserved position in the protein, it is predicted to be benign by multiple in silico algorithms, and/or has population frequency not consistent with disease.